The following is an entry in ClinVar:

NM_001753.5(CAV1):c.187G>T (p.Val63Leu)

Genes: CAV1 (caveolin 1; plus strand), LOC129999169 (ATAC-STARR-seq lymphoblastoid silent region 18558; plus strand). Cytogenetic location: 7q31.2.
Variant type: single nucleotide variant.
Coding change: c.187G>T on transcript NM_001753.5 (MANE Select); coding-DNA position 187, G replaced by T.
Protein change: p.Val63Leu; replaces valine 63 with leucine.
Molecular consequence: missense variant.
Genome position (GRCh38, 1-based): chr7:116,526,681, G>T. VCF-style: chr7-116526681-G-T. GRCh37 (hg19) VCF-style: chr7-116166735-G-T.
Other names: c.94G>T, p.Val32Leu (NM_001172895.1, NM_001172896.2, NM_001172897.2); short protein forms V32L, V63L.
Identifiers: ClinVar variation 3221775 (VCV003221775.1), dbSNP rs1359781208, ClinGen allele CA369116924.

ClinVar aggregate classification (germline): Uncertain significance (1 of 4 stars; one submission).

Conditions:
Inborn genetic diseases. Identifiers: MedGen C0950123, MeSH D030342.

Submission:

Ambry Genetics
Classification: Uncertain significance for Inborn genetic diseases. Last evaluated: 2024-01-27. Review status: criteria provided, single submitter. Criteria: Ambry Variant Classification Scheme 2023. Collection method: clinical testing. Allele origin: germline.
Comment: The p.V63L variant (also known as c.187G>T), located in coding exon 2 of the CAV1 gene, results from a G to T substitution at nucleotide position 187. The valine at codon 63 is replaced by leucine, an amino acid with highly similar properties. This amino acid position is conserved. In addition, this alteration is predicted to be deleterious by in silico analysis. Based on the available evidence, the clinical significance of this alteration remains unclear.